The following is an entry in ClinVar:

NM_001370348.2(PHF3):c.6065G>C (p.Arg2022Thr)

Gene: PHF3 (PHD finger protein 3; plus strand). Cytogenetic location: 6q12.
Variant type: single nucleotide variant.
Coding change: c.6065G>C on transcript NM_001370348.2 (MANE Select); coding-DNA position 6065, G replaced by C.
Protein change: p.Arg2022Thr; replaces arginine 2022 with threonine.
Molecular consequence: missense variant.
Genome position (GRCh38, 1-based): chr6:63,713,653, G>C. VCF-style: chr6-63713653-G-C. GRCh37 (hg19) VCF-style: chr6-64423549-G-C.
Other names: c.5801G>C, p.Arg1934Thr (NM_001290259.2, NM_001370349.2); c.3872G>C, p.Arg1291Thr (NM_001370350.2); c.6065G>C, p.Arg2022Thr (NM_015153.4); short protein forms R1291T, R1934T, R2022T.
Identifiers: ClinVar variation 2635173 (VCV002635173.1), dbSNP rs1768075436, ClinGen allele CA364380508.
Genomic context (GRCh38, chr6:63,713,653, plus strand): 5'-AAGACTATGAGAAGGACAAAGAACGAGAGAAAAGTAAACACAGAGAAGGAGAAAAGGACA[G>C]GGATAGGTACCACAAAGATAGGGACCACACTGACAGAACTAAAAGCAAAAGGTAAAATTT-3'
Protein context (NP_001357277.1, residues 2012-2032): KSKHREGEKD[Arg2022Thr]DRYHKDRDHT

ClinVar aggregate classification (germline): Uncertain significance (1 of 4 stars; one submission).

Conditions:
PHF3-related disorder. Also called: PHF3-related condition.

Submission:

PreventionGenetics, part of Exact Sciences
Classification: Uncertain significance for PHF3-related condition. Last evaluated: 2022-11-17. Review status: criteria provided, single submitter. Criteria: ACMG Guidelines, 2015. Collection method: clinical testing. Allele origin: germline.
Comment: The PHF3 c.6065G>C variant is predicted to result in the amino acid substitution p.Arg2022Thr. To our knowledge, this variant has not been reported in the literature or in a large population database, indicating this variant is rare. At this time, the clinical significance of this variant is uncertain due to the absence of conclusive functional and genetic evidence.